The following is an entry in ClinVar:

ClinVar aggregate classification (germline): Uncertain significance. Review status: criteria provided, multiple submitters, no conflicts (2 of 4 stars). 2 submissions from 2 submitters: Uncertain significance (2). Last evaluated 2023-09-27.

Conditions:
Cardiovascular phenotype. Identifiers: MedGen CN230736.
Dilated cardiomyopathy 1JJ (CMD1JJ). Identifiers: Orphanet 154, MedGen C3808935, MONDO:0014095, OMIM 615235.

Allele frequency attached by ClinVar (database versions not stated): ExAC 0.00002; gnomAD exomes 0.00002; TOPMed 0.00002.

Submissions (2):

Labcorp Genetics (formerly Invitae), Labcorp
Classification: Uncertain significance for Dilated cardiomyopathy 1JJ. Last evaluated: 2023-09-27. Review status: criteria provided, single submitter. Criteria: Invitae Variant Classification Sherloc (09022015). Collection method: clinical testing. Allele origin: germline.
Comment: In summary, the available evidence is currently insufficient to determine the role of this variant in disease. Therefore, it has been classified as a Variant of Uncertain Significance. An algorithm developed to predict the effect of missense changes on protein structure and function (PolyPhen-2) suggests that this variant is likely to be disruptive. ClinVar contains an entry for this variant (Variation ID: 1728813). This variant has not been reported in the literature in individuals affected with LAMA4-related conditions. This variant is present in population databases (rs782099866, gnomAD 0.003%). This sequence change replaces arginine, which is basic and polar, with histidine, which is basic and polar, at codon 1067 of the LAMA4 protein (p.Arg1067His).

Ambry Genetics
Classification: Uncertain significance for Cardiovascular phenotype. Last evaluated: 2020-03-27. Review status: criteria provided, single submitter. Criteria: Ambry Variant Classification Scheme 2023. Collection method: clinical testing. Allele origin: germline.
Comment: The p.R1067H variant (also known as c.3200G>A), located in coding exon 23 of the LAMA4 gene, results from a G to A substitution at nucleotide position 3200. The arginine at codon 1067 is replaced by histidine, an amino acid with highly similar properties. This amino acid position is highly conserved in available vertebrate species. In addition, this alteration is predicted to be deleterious by in silico analysis. Since supporting evidence is limited at this time, the clinical significance of this alteration remains unclear.

NM_001105206.3(LAMA4):c.3221G>A (p.Arg1074His)

Gene: LAMA4 (laminin subunit alpha 4; minus strand). Cytogenetic location: 6q21.
Variant type: single nucleotide variant.
Coding change: c.3221G>A on transcript NM_001105206.3 (MANE Select); coding-DNA position 3221, G replaced by A.
Protein change: p.Arg1074His; replaces arginine 1074 with histidine.
Molecular consequence: missense variant.
Genome position (GRCh38, 1-based): chr6:112,139,181, C>T on the plus strand (G>A on the coding strand, the complement: LAMA4 is on the minus strand). VCF-style: chr6-112139181-C-T. GRCh37 (hg19) VCF-style: chr6-112460383-C-T.
Other names: c.3200G>A, p.Arg1067His (NM_001105207.3, NM_002290.5); short protein forms R1067H, R1074H.
Identifiers: ClinVar variation 1728813 (VCV001728813.5), dbSNP rs782099866, ClinGen allele CA3965278.